The following is an entry in ClinVar:

NM_000455.5(STK11):c.1254C>G (p.Cys418Trp)

Gene: STK11 (serine/threonine kinase 11; plus strand). Cytogenetic location: 19p13.3.
Variant type: single nucleotide variant.
Coding change: c.1254C>G on transcript NM_000455.5 (MANE Select); coding-DNA position 1254, C replaced by G.
Protein change: p.Cys418Trp; replaces cysteine 418 with tryptophan.
Molecular consequence: missense variant.
Genome position (GRCh38, 1-based): chr19:1,226,599, C>G. VCF-style: chr19-1226599-C-G. GRCh37 (hg19) VCF-style: chr19-1226598-C-G.
Other names: p.C418W:TGC>TGG; p.Cys418Trp; short protein forms C418W.
Identifiers: ClinVar variation 135918 (VCV000135918.37), dbSNP rs587780715, ClinGen allele CA022547.

ClinVar aggregate classification (germline): Conflicting classifications of pathogenicity. Review status: criteria provided, conflicting classifications (1 of 4 stars). 16 submissions from 16 submitters: Uncertain significance (11); Benign (2); Likely benign (1). 2 of the submissions do not count toward it. Last evaluated 2026-01-19.

Conditions:
Peutz-Jeghers syndrome (PJS). Also called: Peutz-Jeghers polyposis; Periorificial lentiginosis syndrome; POLYPOSIS, HAMARTOMATOUS INTESTINAL; POLYPS-AND-SPOTS SYNDROME. Identifiers: Orphanet 2869, MedGen C0031269, MeSH D010580, MONDO:0008280, OMIM 175200.
Familial pancreatic carcinoma. Identifiers: Orphanet 1333, MedGen C2931038, MONDO:0015278, OMIM 260350.
Melanoma, cutaneous malignant, susceptibility to, 1 (CMM1). Also called: B-K MOLE SYNDROME; DYSPLASTIC NEVUS SYNDROME, HEREDITARY; FAMILIAL ATYPICAL MOLE-MALIGNANT MELANOMA SYNDROME; MELANOMA, MALIGNANT. Identifiers: Orphanet 618, MedGen C1835047, MONDO:0007963, OMIM 155600.
Germ cell tumor of testis (TGCT). Also called: GERM CELL TUMOR, SOMATIC; Testicular germ cell tumor. Identifiers: Orphanet 363504, MedGen C1336708, MONDO:0010108, OMIM 273300.
Hereditary cancer-predisposing syndrome. Also called: Tumor predisposition; Hereditary neoplastic syndrome; Neoplastic Syndromes, Hereditary; Hereditary Cancer Syndrome. Identifiers: Orphanet 140162, MedGen C0027672, MeSH D009386, MONDO:0015356.

Allele frequency attached by ClinVar (database versions not stated): gnomAD exomes 0.00002; TOPMed 0.00004; gnomAD 0.00005.
gnomAD v4.1: 66 of 1,564,734 alleles (0.0042%); highest among the groups gnomAD compares: Non-Finnish European, 0.0054%; no homozygotes.

Submissions (16):

Labcorp Genetics (formerly Invitae), Labcorp
Classification: Benign for Peutz-Jeghers syndrome. Last evaluated: 2026-01-19. Review status: criteria provided, single submitter. Criteria: Invitae Variant Classification Sherloc (09022015). Collection method: clinical testing. Allele origin: germline.

Color Diagnostics, LLC DBA Color Health
Classification: Benign for Hereditary cancer-predisposing syndrome. Last evaluated: 2025-12-10. Review status: criteria provided, single submitter. Criteria: ACMG Guidelines, 2015. Collection method: clinical testing. Allele origin: germline.

Women's Health and Genetics/Laboratory Corporation of America, LabCorp
Classification: Uncertain significance. Last evaluated: 2024-09-03. Review status: criteria provided, single submitter. Criteria: LabCorp Variant Classification Summary - May 2015. Collection method: clinical testing. Allele origin: germline.
Comment: Variant summary: STK11 c.1254C>G (p.Cys418Trp) results in a non-conservative amino acid change in the encoded protein sequence. Three of five in-silico tools predict a benign effect of the variant on protein function. The variant allele was found at a frequency of 2.4e-05 in 164078 control chromosomes. The available data on variant occurrences in the general population are insufficient to allow any conclusion about variant significance. To our knowledge, c.1254C>G has not been reported in the literature in individuals affected with Peutz-Jeghers Syndrome and no experimental evidence demonstrating an impact on protein function has been reported. ClinVar contains an entry for this variant (Variation ID: 135918). Based on the evidence outlined above, the variant was classified as uncertain significance.

All of Us Research Program, National Institutes of Health
Classification: Uncertain significance for Peutz-Jeghers syndrome. Last evaluated: 2024-07-29. Review status: criteria provided, single submitter. Criteria: ACMG Guidelines, 2015. Collection method: clinical testing. Allele origin: germline. Inheritance: Autosomal dominant inheritance. Observed: 14 variant alleles, 14 heterozygotes.
Comment: This missense variant replaces cysteine with tryptophan at codon 418 of the STK11 protein. Computational prediction suggests that this variant may not impact protein structure and function (internally defined REVEL score threshold <= 0.5, PMID: 27666373). To our knowledge, functional studies have not been reported for this variant. This variant has not been reported in individuals affected with hereditary cancer in the literature. This variant has been identified in 6/195444 chromosomes in the general population by the Genome Aggregation Database (gnomAD). The available evidence is insufficient to determine the role of this variant in disease conclusively. Therefore, this variant is classified as a Variant of Uncertain Significance.

This study involves interpretation of variants in research participants for the purpose of population health screening. Participant phenotype was not available at the time of variant classification. Additional details can be found in publication PMID: 35346344, PMCID: PMC8962531

St. Jude Molecular Pathology, St. Jude Children's Research Hospital
Classification: Uncertain significance for Peutz-Jeghers syndrome. Last evaluated: 2024-04-19. Review status: criteria provided, single submitter. Criteria: St. Jude Assertion Criteria 2020. Collection method: clinical testing. Allele origin: germline.
Comment: The STK11 c.1254C>G (p.Cys418Trp) missense change has a maximum subpopulation frequency of 0.007% in gnomAD v2.1.1. The in silico tool REVEL predicts a benign effect on protein function, but to our knowledge this prediction has not been confirmed by functional studies. To our knowledge, this variant has not been reported in individuals with Peutz-Jeghers syndrome. In summary, the evidence currently available is insufficient to determine the clinical significance of this variant. It has therefore been classified as of uncertain significance.

Department of Pathology and Laboratory Medicine, Sinai Health System
Classification: Uncertain significance for Melanoma, cutaneous malignant, susceptibility to, 1; Peutz-Jeghers syndrome; Familial pancreatic carcinoma; Germ cell tumor of testis. Last evaluated: 2023-06-09. Review status: criteria provided, single submitter. Criteria: ACMG Guidelines, 2015. Collection method: clinical testing. Allele origin: germline. Affected: no.

Myriad Genetics, Inc.
Classification: Uncertain significance for Peutz-Jeghers syndrome. Last evaluated: 2023-04-14. Review status: criteria provided, single submitter. Criteria: Myriad Autosomal Dominant, Autosomal Recessive and X-Linked Classification Criteria (2023). Collection method: clinical testing. Allele origin: unknown.
Comment: This variant is classified as a variant of uncertain significance as there is insufficient evidence to determine its impact on protein function and/or cancer risk.

Blueprint Genetics
Classification: Uncertain significance. Last evaluated: 2023-01-07. Review status: criteria provided, single submitter. Criteria: ACMG Guidelines, 2015. Collection method: clinical testing. Allele origin: germline.

Quest Diagnostics Nichols Institute San Juan Capistrano
Classification: Uncertain significance. Last evaluated: 2022-10-29. Review status: criteria provided, single submitter. Criteria: Quest Diagnostics criteria. Collection method: clinical testing. Allele origin: unknown.
Comment: The frequency of this variant in the general population, 0.000073 (6/81688 chromosomes in European (Non-Finnish) subpopulation), is higher than would generally be expected for pathogenic variants in this gene. In the published literature, the variant has been reported in an individual undergoing multigene hereditary cancer panel testing (PMID: 26845104 (2016)). Analysis of this variant using bioinformatics tools for the prediction of the effect of amino acid changes on protein structure and function yielded predictions that this variant is benign. Based on the available information, we are unable to determine the clinical significance of this variant.

GeneDx
Classification: Uncertain significance. Last evaluated: 2022-06-01. Review status: criteria provided, single submitter. Criteria: GeneDx Variant Classification Process June 2021. Collection method: clinical testing. Allele origin: germline. Affected: yes.
Comment: In silico analysis supports that this missense variant does not alter protein structure/function; Observed in an individual undergoing multigene hereditary cancer panel testing (Shirts 2016); This variant is associated with the following publications: (PMID: 26845104, 27535533, 28900777)

Mayo Clinic Laboratories, Mayo Clinic
Classification: Uncertain significance. Last evaluated: 2022-05-06. Review status: criteria provided, single submitter. Criteria: ACMG Guidelines, 2015. Collection method: clinical testing. Allele origin: germline. Observed: 1 variant allele.
Comment: BP4, PM2

Ambry Genetics
Classification: Likely benign for Hereditary cancer-predisposing syndrome. Last evaluated: 2021-11-04. Review status: criteria provided, single submitter. Criteria: Ambry Variant Classification Scheme 2023. Collection method: clinical testing. Allele origin: germline.

Genome-Nilou Lab
Classification: Uncertain significance for Peutz-Jeghers syndrome. Last evaluated: 2021-07-15. Review status: criteria provided, single submitter. Criteria: ACMG Guidelines, 2015. Collection method: clinical testing. Allele origin: germline. Affected: no.

University of Washington Department of Laboratory Medicine, University of Washington
Classification: Uncertain significance for Hereditary cancer-predisposing syndrome. Last evaluated: 2015-11-20. Review status: criteria provided, single submitter. Criteria: Shirts et al. (Genet Med 2016). Collection method: clinical testing. Allele origin: germline. Affected: no. Observed: 1 variant allele.

CSER _CC_NCGL, University of Washington
Classification: Uncertain significance for Peutz-Jeghers syndrome. Last evaluated: 2016-08-01. Review status: no assertion criteria provided. Collection method: research. Allele origin: germline. Inheritance: Autosomal dominant inheritance. Study: CSER - NEXT Medicine variant annotation. Not counted in ClinVar's aggregate classification.

Counsyl
Classification: Uncertain significance for Peutz-Jeghers syndrome. Last evaluated: 2015-11-21. Review status: no assertion criteria provided. Collection method: clinical testing. Allele origin: unknown. Not counted in ClinVar's aggregate classification.

Literature cited by the submitters: PubMed 26845104 (cited by 3 submitters); PubMed 32459922 (cited by Ambry Genetics).